The following is an entry in ClinVar:

ClinVar aggregate classification (germline): Conflicting classifications of pathogenicity. Review status: criteria provided, conflicting classifications (1 of 4 stars). 2 submissions from 2 submitters: Uncertain significance (1); Likely benign (1). Last evaluated 2024-03-25.

Submissions (2):

Ambry Genetics
Classification: Likely benign. Last evaluated: 2024-03-25. Review status: criteria provided, single submitter. Criteria: Ambry Variant Classification Scheme 2023. Collection method: clinical testing. Allele origin: germline.

Labcorp Genetics (formerly Invitae), Labcorp
Classification: Uncertain significance. Last evaluated: 2023-01-28. Review status: criteria provided, single submitter. Criteria: Invitae Variant Classification Sherloc (09022015). Collection method: clinical testing. Allele origin: germline.
Comment: This sequence change replaces alanine, which is neutral and non-polar, with proline, which is neutral and non-polar, at codon 372 of the ABRAXAS1 protein (p.Ala372Pro). In summary, the available evidence is currently insufficient to determine the role of this variant in disease. Therefore, it has been classified as a Variant of Uncertain Significance. Algorithms developed to predict the effect of missense changes on protein structure and function (SIFT, PolyPhen-2, Align-GVGD) all suggest that this variant is likely to be tolerated. ClinVar contains an entry for this variant (Variation ID: 936682). This variant has not been reported in the literature in individuals affected with ABRAXAS1-related conditions. This variant is not present in population databases (gnomAD no frequency).

NM_139076.3(ABRAXAS1):c.1114G>C (p.Ala372Pro)

Gene: ABRAXAS1 (abraxas 1, BRCA1 A complex subunit; minus strand). Cytogenetic location: 4q21.23.
Variant type: single nucleotide variant.
Coding change: c.1114G>C on transcript NM_139076.3 (MANE Select); coding-DNA position 1114, G replaced by C.
Protein change: p.Ala372Pro; replaces alanine 372 with proline.
Molecular consequence: missense variant.
Genome position (GRCh38, 1-based): chr4:83,462,585, C>G on the plus strand (G>C on the coding strand, the complement: ABRAXAS1 is on the minus strand). VCF-style: chr4-83462585-C-G. GRCh37 (hg19) VCF-style: chr4-84383738-C-G.
Other names: c.787G>C, p.Ala263Pro (NM_001345962.2); short protein forms A372P, A263P.
Identifiers: ClinVar variation 936682 (VCV000936682.12), dbSNP rs1722162523, ClinGen allele CA357255105.
Genomic context (GRCh38, chr4:83,462,585, plus strand): 5'-CATCTGTTTCTGGGCTGCTCATTTTGGATGCTTTATCTTGGTTACTACTACCAGTATCTG[C>G]TTTAGATCGTTTGTCTTGTGTATCTAACAACCGAGATCTCTTGAATTGCCATCTGTCATC-3'
Protein context (NP_620775.2, residues 362-382): LLDTQDKRSK[Ala372Pro]DTGSSNQDKA